The following is an entry in ClinVar:

NM_004714.3(DYRK1B):c.1352C>T (p.Ser451Leu)

Gene: DYRK1B (dual specificity tyrosine phosphorylation regulated kinase 1B; minus strand). Cytogenetic location: 19q13.2.
Variant type: single nucleotide variant.
Coding change: c.1352C>T on transcript NM_004714.3 (MANE Select); coding-DNA position 1352, C replaced by T.
Protein change: p.Ser451Leu; replaces serine 451 with leucine.
Molecular consequence: missense variant.
Genome position (GRCh38, 1-based): chr19:39,826,731, G>A on the plus strand (C>T on the coding strand, the complement: DYRK1B is on the minus strand). VCF-style: chr19-39826731-G-A. GRCh37 (hg19) VCF-style: chr19-40317371-G-A.
Other names: c.1232C>T, p.Ser411Leu (NM_006483.3); c.1268C>T, p.Ser423Leu (NM_006484.3); short protein forms S411L, S423L, S451L.
Identifiers: ClinVar variation 3353924 (VCV003353924.2).

ClinVar aggregate classification (germline): Uncertain significance (1 of 4 stars; one submission).

Conditions:
DYRK1B-related disorder. Also called: DYRK1B-related condition.

gnomAD v4.1: 3 of 1,600,964 alleles (0.00019%); highest among the groups gnomAD compares: Non-Finnish European, 0.00026%; no homozygotes.

Submission:

PreventionGenetics, part of Exact Sciences
Classification: Uncertain significance for DYRK1B-related condition. Last evaluated: 2026-09-01. Review status: criteria provided, single submitter. Criteria: ACMG Guidelines, 2015. Collection method: clinical testing. Allele origin: germline.
Comment: The DYRK1B c.1352C>T variant is predicted to result in the amino acid substitution p.Ser451Leu. To our knowledge, this variant has not been reported in the literature or in a large population database, indicating this variant is rare. At this time, the clinical significance of this variant is uncertain due to the absence of conclusive functional and genetic evidence.